The following is an entry in ClinVar:

NM_182914.3(SYNE2):c.2831T>C (p.Ile944Thr)

Gene: SYNE2 (spectrin repeat containing nuclear envelope protein 2; plus strand). Cytogenetic location: 14q23.2.
Variant type: single nucleotide variant.
Coding change: c.2831T>C on transcript NM_182914.3 (MANE Select); coding-DNA position 2831, T replaced by C.
Protein change: p.Ile944Thr; replaces isoleucine 944 with threonine.
Molecular consequence: missense variant.
Genome position (GRCh38, 1-based): chr14:63,995,093, T>C. VCF-style: chr14-63995093-T-C. GRCh37 (hg19) VCF-style: chr14-64461811-T-C.
Other names: c.2831T>C, p.Ile944Thr (NM_015180.6); short protein forms I944T.
Identifiers: ClinVar variation 1935962 (VCV001935962.5), dbSNP rs761566246, ClinGen allele CA261841042.
Genomic context (GRCh38, chr14:63,995,093, plus strand): 5'-TTTTTTTGTAGTCTCTTCATCATGAACTGTCTTTATATGTTCAACAACTAAAAATAGATA[T>C]TGAAAAAGGAAAGCTTAGTGACAATATTTTAAAACTTGAAAAGCAAATAAATAAAGAAAA-3'
Protein context (NP_878918.2, residues 934-954): SLYVQQLKID[Ile944Thr]EKGKLSDNIL

ClinVar aggregate classification (germline): Uncertain significance (1 of 4 stars; one submission).

Conditions:
Emery-Dreifuss muscular dystrophy 5, autosomal dominant (EDMD5). Also called: EMERY-DREIFUSS MUSCULAR DYSTROPHY 5. Identifiers: Orphanet 261, MedGen C2751805, MONDO:0013072, OMIM 612999.

Allele frequency attached by ClinVar (database versions not stated): gnomAD exomes 0.00001; TOPMed 0.00003.
gnomAD v4.1: 17 of 1,578,888 alleles (0.0011%); highest among the groups gnomAD compares: African/African-American, 0.0095%; no homozygotes.

Submission:

Labcorp Genetics (formerly Invitae), Labcorp
Classification: Uncertain significance for Emery-Dreifuss muscular dystrophy 5, autosomal dominant. Last evaluated: 2022-06-15. Review status: criteria provided, single submitter. Criteria: Invitae Variant Classification Sherloc (09022015). Collection method: clinical testing. Allele origin: germline.
Comment: This sequence change replaces isoleucine, which is neutral and non-polar, with threonine, which is neutral and polar, at codon 944 of the SYNE2 protein (p.Ile944Thr). This variant is present in population databases (rs761566246, gnomAD 0.009%). This variant has not been reported in the literature in individuals affected with SYNE2-related conditions. Algorithms developed to predict the effect of missense changes on protein structure and function are either unavailable or do not agree on the potential impact of this missense change (SIFT: "Tolerated"; PolyPhen-2: "Possibly Damaging"; Align-GVGD: "Class C0"). In summary, the available evidence is currently insufficient to determine the role of this variant in disease. Therefore, it has been classified as a Variant of Uncertain Significance.